The following is an entry in ClinVar:

NM_020937.4(FANCM):c.227G>T (p.Cys76Phe)

Gene: FANCM (FA complementation group M; plus strand). Cytogenetic location: 14q21.2.
Variant type: single nucleotide variant.
Coding change: c.227G>T on transcript NM_020937.4 (MANE Select); coding-DNA position 227, G replaced by T.
Protein change: p.Cys76Phe; replaces cysteine 76 with phenylalanine.
Molecular consequence: missense variant.
Genome position (GRCh38, 1-based): chr14:45,136,258, G>T. VCF-style: chr14-45136258-G-T. GRCh37 (hg19) VCF-style: chr14-45605461-G-T.
Other names: c.227G>T, p.Cys76Phe (NM_001308133.2, NM_001308134.2); short protein forms C76F.
Identifiers: ClinVar variation 3848750 (VCV003848750.1).

ClinVar aggregate classification (germline): Uncertain significance (1 of 4 stars; one submission).

Conditions:
Inborn genetic diseases. Identifiers: MedGen C0950123, MeSH D030342.

Submission:

Ambry Genetics
Classification: Uncertain significance for Inborn genetic diseases. Last evaluated: 2025-02-21. Review status: criteria provided, single submitter. Criteria: Ambry Variant Classification Scheme 2023. Collection method: clinical testing. Allele origin: germline.
Comment: The p.C76F variant (also known as c.227G>T), located in coding exon 1 of the FANCM gene, results from a G to T substitution at nucleotide position 227. The cysteine at codon 76 is replaced by phenylalanine, an amino acid with highly dissimilar properties. This amino acid position is conserved. In addition, the in silico prediction for this alteration is inconclusive. Based on the available evidence, the clinical significance of this variant remains unclear.